The following is an entry in ClinVar:

NM_032608.7(MYO18B):c.2893G>A (p.Glu965Lys)

Gene: MYO18B (myosin XVIIIB; plus strand). Cytogenetic location: 22q12.1.
Variant type: single nucleotide variant.
Coding change: c.2893G>A on transcript NM_032608.7 (MANE Select); coding-DNA position 2893, G replaced by A.
Protein change: p.Glu965Lys; replaces glutamic acid 965 with lysine.
Molecular consequence: missense variant.
Genome position (GRCh38, 1-based): chr22:25,828,882, G>A. VCF-style: chr22-25828882-G-A. GRCh37 (hg19) VCF-style: chr22-26224849-G-A.
Other names: c.2893G>A, p.Glu965Lys (NM_001318245.2); c.2893G>A (NM_032608.5); short protein forms E965K.
Identifiers: ClinVar variation 1426141 (VCV001426141.5), dbSNP rs376348212, ClinGen allele CA10160364.

ClinVar aggregate classification (germline): Uncertain significance. Review status: criteria provided, multiple submitters, no conflicts (2 of 4 stars). 2 submissions from 2 submitters: Uncertain significance (2). Last evaluated 2023-11-27.

Conditions:
Inborn genetic diseases. Identifiers: MedGen C0950123, MeSH D030342.

Allele frequency attached by ClinVar (database versions not stated): TOPMed 0.00003; gnomAD 0.00005; ExAC 0.00006; gnomAD exomes 0.00006; ESP Exome Variant Server 0.00016.
gnomAD v4.1: 93 of 1,613,898 alleles (0.0058%); highest among the groups gnomAD compares: Non-Finnish European, 0.0075%; 1 homozygote.

Submissions (2):

Labcorp Genetics (formerly Invitae), Labcorp
Classification: Uncertain significance. Last evaluated: 2023-11-27. Review status: criteria provided, single submitter. Criteria: Invitae Variant Classification Sherloc (09022015). Collection method: clinical testing. Allele origin: germline.
Comment: This sequence change replaces glutamic acid, which is acidic and polar, with lysine, which is basic and polar, at codon 965 of the MYO18B protein (p.Glu965Lys). This variant is present in population databases (rs376348212, gnomAD 0.02%). This variant has not been reported in the literature in individuals affected with MYO18B-related conditions. ClinVar contains an entry for this variant (Variation ID: 1426141). An algorithm developed to predict the effect of missense changes on protein structure and function (PolyPhen-2) suggests that this variant is likely to be disruptive. In summary, the available evidence is currently insufficient to determine the role of this variant in disease. Therefore, it has been classified as a Variant of Uncertain Significance.

Ambry Genetics
Classification: Uncertain significance for Inborn genetic diseases. Last evaluated: 2021-06-18. Review status: criteria provided, single submitter. Criteria: Ambry Variant Classification Scheme 2023. Collection method: clinical testing. Allele origin: germline.